The following is an entry in ClinVar:

NM_000135.4(FANCA):c.2696C>T (p.Pro899Leu)

Genes: FANCA (FA complementation group A; minus strand), LOC130059837 (ATAC-STARR-seq lymphoblastoid active region 11420; plus strand). Cytogenetic location: 16q24.3.
Variant type: single nucleotide variant.
Coding change: c.2696C>T on transcript NM_000135.4 (MANE Select); coding-DNA position 2696, C replaced by T.
Protein change: p.Pro899Leu; replaces proline 899 with leucine.
Molecular consequence: missense variant.
Genome position (GRCh38, 1-based): chr16:89,764,972, G>A on the plus strand (C>T on the coding strand, the complement: FANCA is on the minus strand). VCF-style: chr16-89764972-G-A. GRCh37 (hg19) VCF-style: chr16-89831380-G-A.
Other names: c.2696C>T, p.Pro899Leu (NM_001286167.3); c.2696C>T (NM_000135.2); short protein forms P899L.
Identifiers: ClinVar variation 1004736 (VCV001004736.7), dbSNP rs1424540726, ClinGen allele CA397438323.

ClinVar aggregate classification (germline): Uncertain significance. Review status: criteria provided, multiple submitters, no conflicts (2 of 4 stars). 2 submissions from 2 submitters: Uncertain significance (2). Last evaluated 2026-05-14.

Conditions:
Inborn genetic diseases. Identifiers: MedGen C0950123, MeSH D030342.
Fanconi anemia (FA). Also called: Fanconi's anemia. Identifiers: Orphanet 84, MedGen C0015625, MeSH D005199, MONDO:0019391.

Allele frequency attached by ClinVar (database versions not stated): gnomAD exomes 0.00001 and below 0.00001.
gnomAD v4.1: 2 of 1,614,262 alleles (0.00012%); highest among the groups gnomAD compares: Non-Finnish European, 0.00017%; no homozygotes.

Submissions (2):

Ambry Genetics
Classification: Uncertain significance for Inborn genetic diseases. Last evaluated: 2026-05-14. Review status: criteria provided, single submitter. Criteria: Ambry Variant Classification Scheme 2023. Collection method: clinical testing. Allele origin: germline.
Comment: The p.P899L variant (also known as c.2696C>T), located in coding exon 28 of the FANCA gene, results from a C to T substitution at nucleotide position 2696. The proline at codon 899 is replaced by leucine, an amino acid with similar properties. This amino acid position is conserved. In addition, the in silico prediction for this alteration is inconclusive. Based on the available evidence, the clinical significance of this variant remains unclear.

Labcorp Genetics (formerly Invitae), Labcorp
Classification: Uncertain significance for Fanconi anemia. Last evaluated: 2021-08-28. Review status: criteria provided, single submitter. Criteria: Invitae Variant Classification Sherloc (09022015). Collection method: clinical testing. Allele origin: germline.
Comment: This sequence change replaces proline with leucine at codon 899 of the FANCA protein (p.Pro899Leu). The proline residue is moderately conserved and there is a moderate physicochemical difference between proline and leucine. This variant is not present in population databases (ExAC no frequency). This variant has not been reported in the literature in individuals affected with FANCA-related conditions. Algorithms developed to predict the effect of missense changes on protein structure and function output the following: SIFT: "Tolerated"; PolyPhen-2: "Possibly Damaging"; Align-GVGD: "Class C0". The leucine amino acid residue is found in multiple mammalian species, which suggests that this missense change does not adversely affect protein function. In summary, the available evidence is currently insufficient to determine the role of this variant in disease. Therefore, it has been classified as a Variant of Uncertain Significance.